The following is an entry in ClinVar:

ClinVar aggregate classification (germline): Benign (0 of 4 stars; one submission).

Conditions:
PDE11A-related disorder. Also called: PDE11A-related condition.

Allele frequency attached by ClinVar (database versions not stated): ESP Exome Variant Server 0.00015; TOPMed 0.00019; gnomAD 0.00024; gnomAD exomes 0.00026; ExAC 0.00056; 1000 Genomes Project 0.00060; 1000 Genomes Project 30x 0.00062.
gnomAD v4.1: 402 of 1,590,634 alleles (0.025%); highest among the groups gnomAD compares: East Asian, 0.53%; 1 homozygote.

Submission:

PreventionGenetics, part of Exact Sciences
Classification: Benign for PDE11A-related condition. Last evaluated: 2020-05-13. Review status: no assertion criteria provided. Collection method: clinical testing. Allele origin: germline.
Comment: This variant is classified as benign based on ACMG/AMP sequence variant interpretation guidelines (Richards et al. 2015 PMID: 25741868, with internal and published modifications).

NM_016953.4(PDE11A):c.2032G>A (p.Ala678Thr)

Gene: PDE11A (phosphodiesterase 11A; minus strand). Cytogenetic location: 2q31.2.
Variant type: single nucleotide variant.
Coding change: c.2032G>A on transcript NM_016953.4 (MANE Select); coding-DNA position 2032, G replaced by A.
Protein change: p.Ala678Thr; replaces alanine 678 with threonine.
Molecular consequence: missense variant.
Genome position (GRCh38, 1-based): chr2:177,727,669, C>T on the plus strand (G>A on the coding strand, the complement: PDE11A is on the minus strand). VCF-style: chr2-177727669-C-T. GRCh37 (hg19) VCF-style: chr2-178592397-C-T.
Other names: c.700G>A, p.Ala234Thr (NM_001077196.2); c.1282G>A, p.Ala428Thr (NM_001077197.2); c.958G>A, p.Ala320Thr (NM_001077358.2); short protein forms A234T, A320T, A428T, A678T.
Identifiers: ClinVar variation 3043819 (VCV003043819.2), dbSNP rs201629965, ClinGen allele CA1981725.